The following is an entry in ClinVar:

NM_153676.4(USH1C):c.2351T>C (p.Val784Ala)

Gene: USH1C (USH1 protein network component harmonin; minus strand). Cytogenetic location: 11p15.1.
Variant type: single nucleotide variant.
Coding change: c.2351T>C on transcript NM_153676.4 (MANE Select); coding-DNA position 2351, T replaced by C.
Protein change: p.Val784Ala; replaces valine 784 with alanine.
Molecular consequence: missense variant. On other transcripts: non-coding transcript variant (1).
Genome position (GRCh38, 1-based): chr11:17,501,080, A>G on the plus strand (T>C on the coding strand, the complement: USH1C is on the minus strand). VCF-style: chr11-17501080-A-G. GRCh37 (hg19) VCF-style: chr11-17522627-A-G.
Other names: c.1451T>C (NM_005709.3); c.1394T>C, p.Val465Ala (NM_001297764.2); c.1451T>C, p.Val484Ala (NM_005709.4); short protein forms V784A, V465A, V484A.
Identifiers: ClinVar variation 2190232 (VCV002190232.4), dbSNP rs1849422972, ClinGen allele CA379802986.

ClinVar aggregate classification (germline): Uncertain significance. Review status: criteria provided, multiple submitters, no conflicts (2 of 4 stars). 2 submissions from 2 submitters: Uncertain significance (2). Last evaluated 2025-10-18.

Conditions:
Inborn genetic diseases. Identifiers: MedGen C0950123, MeSH D030342.

Allele frequency attached by ClinVar (database versions not stated): gnomAD exomes 0.00001.

Submissions (2):

Ambry Genetics
Classification: Uncertain significance for Inborn genetic diseases. Last evaluated: 2025-10-18. Review status: criteria provided, single submitter. Criteria: Ambry Variant Classification Scheme 2023. Collection method: clinical testing. Allele origin: germline.

Labcorp Genetics (formerly Invitae), Labcorp
Classification: Uncertain significance. Last evaluated: 2024-03-20. Review status: criteria provided, single submitter. Criteria: Invitae Variant Classification Sherloc (09022015). Collection method: clinical testing. Allele origin: germline.
Comment: This sequence change replaces valine, which is neutral and non-polar, with alanine, which is neutral and non-polar, at codon 484 of the USH1C protein (p.Val484Ala). This variant is not present in population databases (gnomAD no frequency). This variant has not been reported in the literature in individuals affected with USH1C-related conditions. ClinVar contains an entry for this variant (Variation ID: 2190232). An algorithm developed to predict the effect of missense changes on protein structure and function (PolyPhen-2) suggests that this variant is likely to be disruptive. In summary, the available evidence is currently insufficient to determine the role of this variant in disease. Therefore, it has been classified as a Variant of Uncertain Significance.